The following is an entry in ClinVar:

ClinVar aggregate classification (germline): Uncertain significance (1 of 4 stars; one submission).

Submission:

Ambry Genetics
Classification: Uncertain significance. Last evaluated: 2024-09-06. Review status: criteria provided, single submitter. Criteria: Ambry Variant Classification Scheme 2023. Collection method: clinical testing. Allele origin: germline.
Comment: The p.Y962F variant (also known as c.2885A>T), located in coding exon 25 of the PRKDC gene, results from an A to T substitution at nucleotide position 2885. The tyrosine at codon 962 is replaced by phenylalanine, an amino acid with highly similar properties. This amino acid position is conserved. In addition, this alteration is predicted to be tolerated by in silico analysis. Based on the available evidence, the clinical significance of this variant remains unclear.

NM_006904.7(PRKDC):c.2885A>T (p.Tyr962Phe)

Gene: PRKDC (protein kinase, DNA-activated, catalytic subunit; minus strand). Cytogenetic location: 8q11.21.
Variant type: single nucleotide variant.
Coding change: c.2885A>T on transcript NM_006904.7 (MANE Select); coding-DNA position 2885, A replaced by T.
Protein change: p.Tyr962Phe; replaces tyrosine 962 with phenylalanine.
Molecular consequence: missense variant.
Genome position (GRCh38, 1-based): chr8:47,912,459, T>A on the plus strand (A>T on the coding strand, the complement: PRKDC is on the minus strand). VCF-style: chr8-47912459-T-A. GRCh37 (hg19) VCF-style: chr8-48825019-T-A.
Other names: c.2885A>T, p.Tyr962Phe (NM_001081640.2); short protein forms Y962F.
Identifiers: ClinVar variation 3425324 (VCV003425324.1).
Genomic context (GRCh38, chr8:47,912,459, plus strand): 5'-AAAGCCCTTACCTGATCAACATCACACGCAAGTCGAAGCAGCACAGGAAACGTCCGCTTA[T>A]AGAGCTGGTACATGGGTGGGGCTCCCTGTCCCCCTTCTGGCATCTGCGTGGCTTTGCCCA-3'
Protein context (NP_008835.5, residues 952-972): GQGAPPMYQL[Tyr962Phe]KRTFPVLLRL